The following is an entry in ClinVar:

ClinVar aggregate classification (germline): Uncertain significance (1 of 4 stars; one submission).

Submission:

GeneDx
Classification: Uncertain significance. Last evaluated: 2024-03-05. Review status: criteria provided, single submitter. Criteria: GeneDx Variant Classification Process June 2021. Collection method: clinical testing. Allele origin: germline. Affected: yes.
Comment: In-frame deletion of 6 amino acids in a non-repeat region; Not observed at significant frequency in large population cohorts (gnomAD); In silico analysis supports a deleterious effect on protein structure/function; Has not been previously published as pathogenic or benign to our knowledge

NM_001127222.2(CACNA1A):c.3002_3019del (p.Arg1001_Arg1006del)

Gene: CACNA1A (calcium voltage-gated channel subunit alpha1 A; minus strand). Cytogenetic location: 19p13.13.
Variant type: Deletion.
Coding change: c.3002_3019del on transcript NM_001127222.2 (MANE Select); coding-DNA positions 3002 to 3019, 18 bases deleted (GCAGGAGAAGGCACCGGC).
Protein change: p.Arg1001_Arg1006del.
Molecular consequence: inframe indel (on NM_001127221.1).
Genome position (GRCh38, 1-based): chr19:13,298,614-13,298,631, GCCGGTGCCTTCTCCTGC deleted on the plus strand (GCAGGAGAAGGCACCGGC on the coding strand, the reverse complement: CACNA1A is on the minus strand); deleting any 18 consecutive bases within chr19:13,298,614-13,298,633 gives the same sequence; the c. name uses the placement nearest the transcript's 3' end. VCF-style (leftmost placement, unchanged base first): chr19-13298613-TGCCGGTGCCTTCTCCTGC-T. GRCh37 (hg19) VCF-style: chr19-13409427-TGCCGGTGCCTTCTCCTGC-T.
Other names: c.3014_3031del, p.Arg1005_Arg1010del (NM_000068.4, NM_023035.3); c.3003_3020del18, p.Arg1002_Arg1007del (NM_001127221.1); c.3005_3022del, p.Arg1002_Arg1007del (NM_001127221.2, NM_001174080.2).
Identifiers: ClinVar variation 3373753 (VCV003373753.1).